The following is an entry in ClinVar:

ClinVar aggregate classification (germline): Uncertain significance. Review status: criteria provided, multiple submitters, no conflicts (2 of 4 stars). 2 submissions from 2 submitters: Uncertain significance (2). Last evaluated 2025-06-24.

Conditions:
Inborn genetic diseases. Identifiers: MedGen C0950123, MeSH D030342.
Lethal multiple pterygium syndrome (LMPS). Identifiers: Orphanet 33108, MedGen C1854678, MONDO:0009668, OMIM 253290.

gnomAD v4.1: 11 of 1,613,900 alleles (0.00068%); highest among the groups gnomAD compares: African/African-American, 0.015%; no homozygotes.

Submissions (2):

Ambry Genetics
Classification: Uncertain significance for Inborn genetic diseases. Last evaluated: 2025-06-24. Review status: criteria provided, single submitter. Criteria: Ambry Variant Classification Scheme 2023. Collection method: clinical testing. Allele origin: germline.

Labcorp Genetics (formerly Invitae), Labcorp
Classification: Uncertain significance for Lethal multiple pterygium syndrome. Last evaluated: 2024-06-26. Review status: criteria provided, single submitter. Criteria: Invitae Variant Classification Sherloc (09022015). Collection method: clinical testing. Allele origin: germline.
Comment: This sequence change replaces glycine, which is neutral and non-polar, with arginine, which is basic and polar, at codon 121 of the CHRND protein (p.Gly121Arg). This variant is present in population databases (rs752699014, gnomAD 0.01%). This variant has not been reported in the literature in individuals affected with CHRND-related conditions. ClinVar contains an entry for this variant (Variation ID: 1367770). Advanced modeling of protein sequence and biophysical properties (such as structural, functional, and spatial information, amino acid conservation, physicochemical variation, residue mobility, and thermodynamic stability) has been performed at Invitae for this missense variant, however the output from this modeling did not meet the statistical confidence thresholds required to predict the impact of this variant on CHRND protein function. In summary, the available evidence is currently insufficient to determine the role of this variant in disease. Therefore, it has been classified as a Variant of Uncertain Significance.

NM_000751.3(CHRND):c.361G>C (p.Gly121Arg)

Gene: CHRND (cholinergic receptor nicotinic delta subunit; plus strand). Cytogenetic location: 2q37.1.
Variant type: single nucleotide variant.
Coding change: c.361G>C on transcript NM_000751.3 (MANE Select); coding-DNA position 361, G replaced by C.
Protein change: p.Gly121Arg; replaces glycine 121 with arginine.
Molecular consequence: missense variant. On other transcripts: synonymous variant (1).
Genome position (GRCh38, 1-based): chr2:232,528,508, G>C. VCF-style: chr2-232528508-G-C. GRCh37 (hg19) VCF-style: chr2-233393218-G-C.
Other names: c.316G>C, p.Gly106Arg (NM_001256657.2); c.90G>C, p.Thr30= (NM_001311195.2); c.58G>C, p.Gly20Arg (NM_001311196.2); c.361G>C (NM_000751.1); short protein forms G106R, G20R, G121R.
Identifiers: ClinVar variation 1367770 (VCV001367770.9), dbSNP rs752699014, ClinGen allele CA2168014.